The following is an entry in ClinVar:

NM_017415.3(KLHL3):c.1383G>A (p.Glu461=)

Gene: KLHL3 (kelch like family member 3; minus strand). Cytogenetic location: 5q31.2.
Variant type: single nucleotide variant.
Coding change: c.1383G>A on transcript NM_017415.3 (MANE Select); coding-DNA position 1383, G replaced by A.
Protein change: p.Glu461=; no amino-acid change (glutamic acid 461 retained).
Molecular consequence: synonymous variant.
Genome position (GRCh38, 1-based): chr5:137,634,104, C>T on the plus strand (G>A on the coding strand, the complement: KLHL3 is on the minus strand). VCF-style: chr5-137634104-C-T. GRCh37 (hg19) VCF-style: chr5-136969793-C-T.
Other names: p.Glu461=; c.1287G>A, p.Glu429= (NM_001257194.1); c.1137G>A, p.Glu379= (NM_001257195.2).
Identifiers: ClinVar variation 260807 (VCV000260807.18), dbSNP rs2301708, ClinGen allele CA3422220.

ClinVar aggregate classification (germline): Benign. Review status: criteria provided, multiple submitters, no conflicts (2 of 4 stars). 6 submissions from 6 submitters: Benign (6). Last evaluated 2026-02-04.

Conditions:
Pseudohypoaldosteronism type 2D (PHA2D). Also called: Pseudohypoaldosteronism Type IID; FAMILIAL HYPERKALEMIC HYPERTENSION; PSEUDOHYPOALDOSTERONISM, TYPE IID, AUTOSOMAL DOMINANT OR RECESSIVE. Identifiers: Orphanet 300525, Orphanet 757, MedGen C3469605, MONDO:0013781, OMIM 614495.

Allele frequency attached by ClinVar (database versions not stated): ESP Exome Variant Server 0.15539; TOPMed 0.17153; gnomAD 0.17239 and 0.17921; gnomAD exomes 0.19644 and 0.22141; ExAC 0.21308; 1000 Genomes Project 30x 0.22252; 1000 Genomes Project 0.22644.
gnomAD v4.1: 313,908 of 1,613,898 alleles (19%); highest among the groups gnomAD compares: East Asian, 39%; 32,448 homozygotes.

Submissions (6):

Labcorp Genetics (formerly Invitae), Labcorp
Classification: Benign. Last evaluated: 2026-02-04. Review status: criteria provided, single submitter. Criteria: Invitae Variant Classification Sherloc (09022015). Collection method: clinical testing. Allele origin: germline.

Blueprint Genetics
Classification: Benign. Last evaluated: 2024-11-26. Review status: criteria provided, single submitter. Criteria: ACMG Guidelines, 2015. Collection method: clinical testing. Allele origin: germline.

Mayo Clinic Laboratories, Mayo Clinic
Classification: Benign. Last evaluated: 2022-03-09. Review status: criteria provided, single submitter. Criteria: ACMG Guidelines, 2015. Collection method: clinical testing. Allele origin: germline. Observed: 43 variant alleles.

GeneDx
Classification: Benign. Last evaluated: 2019-08-20. Review status: criteria provided, single submitter. Criteria: GeneDx Variant Classification Process June 2021. Collection method: clinical testing. Allele origin: germline. Affected: yes.

Illumina Laboratory Services, Illumina
Classification: Benign for Pseudohypoaldosteronism type 2D. Last evaluated: 2018-01-12. Review status: criteria provided, single submitter. Criteria: ICSL Variant Classification Criteria 13 December 2019. Collection method: clinical testing. Allele origin: germline.
Comment: This variant was observed in the ICSL laboratory as part of a predisposition screen in an ostensibly healthy population. It had not been previously curated by ICSL or reported in the Human Gene Mutation Database (HGMD: prior to June 1st, 2018), and was therefore a candidate for classification through an automated scoring system. Utilizing variant allele frequency, disease prevalence and penetrance estimates, and inheritance mode, an automated score was calculated to assess if this variant is too frequent to cause the disease. Based on the score and internal cut-off values, a variant classified as benign is not then subjected to further curation. The score for this variant resulted in a classification of benign for this disease.

PreventionGenetics, part of Exact Sciences
Classification: Benign. Review status: criteria provided, single submitter. Criteria: ACMG Guidelines, 2015. Collection method: clinical testing. Allele origin: germline.